The following is an entry in ClinVar:

NM_017588.3(WDR5):c.19A>C (p.Lys7Gln)

Gene: WDR5 (WD repeat domain 5; plus strand). Cytogenetic location: 9q34.2.
Variant type: single nucleotide variant.
Coding change: c.19A>C on transcript NM_017588.3 (MANE Select); coding-DNA position 19, A replaced by C.
Protein change: p.Lys7Gln; replaces lysine 7 with glutamine.
Molecular consequence: missense variant.
Genome position (GRCh38, 1-based): chr9:134,139,896, A>C. VCF-style: chr9-134139896-A-C. GRCh37 (hg19) VCF-style: chr9-137005018-A-C.
Other names: c.19A>C, p.Lys7Gln (NM_001384409.1, NM_001384410.1, NM_001384411.1 and 9 more transcripts); short protein forms K7Q.
Identifiers: ClinVar variation 135633 (VCV000135633.2), dbSNP rs367537994, ClinGen allele CA232417.
Genomic context (GRCh38, chr9:134,139,896, plus strand): 5'-GGTCCCTCCACCCTTGTCTCCTGTGCGGCCAGCGTCAGAGCCATGGCGACGGAGGAGAAG[A>C]AGCCCGAGACCGAGGCCGCCAGAGCACAGCCAACCCCTTCGTCATCCGCCACTCAGAGCA-3'
Protein context (NP_060058.1, residues 1-17): MATEEK[Lys7Gln]PETEAARAQP

ClinVar aggregate classification (germline): not provided (0 of 4 stars; one submission).

Allele frequency attached by ClinVar (database versions not stated): gnomAD exomes below 0.00001; ExAC 0.00001; gnomAD 0.00001.
gnomAD v4.1: 3 of 1,613,382 alleles (0.00019%); highest among the groups gnomAD compares: South Asian, 0.0022%; no homozygotes.

Submission:

Richard Lifton Laboratory, Yale University School of Medicine
No classification provided. Review status: no classification provided. Collection method: not provided. Allele origin: germline.
Comment: WDR5
ClinVar note: Converted during submission from untested to not provided.